The following is an entry in ClinVar:

ClinVar aggregate classification (germline): Uncertain significance (1 of 4 stars; one submission).

Submission:

GeneDx
Classification: Uncertain significance. Last evaluated: 2025-06-10. Review status: criteria provided, single submitter. Criteria: GeneDx Variant Classification Process June 2021. Collection method: clinical testing. Allele origin: germline.
Comment: Not observed at significant frequency in large population cohorts (gnomAD); In silico analysis supports that this missense variant has a deleterious effect on protein structure/function; Has not been previously published as pathogenic or benign to our knowledge

NM_001244008.2(KIF1A):c.1415T>G (p.Met472Arg)

Gene: KIF1A (kinesin family member 1A; minus strand). Cytogenetic location: 2q37.3.
Variant type: single nucleotide variant.
Coding change: c.1415T>G on transcript NM_001244008.2 (MANE Select); coding-DNA position 1415, T replaced by G.
Protein change: p.Met472Arg; replaces methionine 472 with arginine.
Molecular consequence: missense variant.
Genome position (GRCh38, 1-based): chr2:240,769,633, A>C on the plus strand (T>G on the coding strand, the complement: KIF1A is on the minus strand). VCF-style: chr2-240769633-A-C. GRCh37 (hg19) VCF-style: chr2-241709050-A-C.
Other names: c.1415T>G, p.Met472Arg (NM_001320705.2, NM_001330289.2, NM_001379638.1); c.1490T>G, p.Met497Arg (NM_001330290.2, NM_001379631.1, NM_001379634.1 and 2 more transcripts); c.1388T>G, p.Met463Arg (NM_001379632.1, NM_001379633.1, NM_001379636.1 and 10 more transcripts); c.1463T>G, p.Met488Arg (NM_001379637.1, NM_001379648.1); short protein forms M463R, M472R, M488R, M497R.
Identifiers: ClinVar variation 3603028 (VCV003603028.2).